The following is an entry in ClinVar:

NM_032578.4(MYPN):c.1460-14T>A

Gene: MYPN (myopalladin; plus strand). Cytogenetic location: 10q21.3.
Variant type: single nucleotide variant.
Coding change: c.1460-14T>A on transcript NM_032578.4 (MANE Select); 14 bases into the intron before coding-DNA position 1460, T replaced by A.
Molecular consequence: intron variant.
Genome position (GRCh38, 1-based): chr10:68,161,715, T>A. VCF-style: chr10-68161715-T-A. GRCh37 (hg19) VCF-style: chr10-69921472-T-A.
Other names: c.1460-14T>A (NM_001256267.2); c.578-14T>A (NM_001256268.2).
Identifiers: ClinVar variation 227714 (VCV000227714.23), dbSNP rs201156035, ClinGen allele CA5522560.

ClinVar aggregate classification (germline): Benign/Likely benign. Review status: criteria provided, multiple submitters, no conflicts (2 of 4 stars). 11 submissions from 11 submitters: Benign (5); Likely benign (3). 3 of the submissions do not count toward it. Last evaluated 2026-02-01.

Conditions:
Dilated cardiomyopathy 1KK (CMD1KK). Identifiers: Orphanet 154, Orphanet 75249, MedGen C3714995, MONDO:0014100, OMIM 615248.
MYPN-related myopathy (CMYO24). Also called: Nemaline myopathy 11, autosomal recessive. Identifiers: MedGen C4479186, MONDO:0015023, OMIM 617336.

Allele frequency attached by ClinVar (database versions not stated): 1000 Genomes Project 30x 0.00031; 1000 Genomes Project 0.00040; ESP Exome Variant Server 0.00046; gnomAD exomes 0.00071 and 0.00116; ExAC 0.00086; gnomAD 0.00096; TOPMed 0.00113.
gnomAD v4.1: 1,253 of 1,609,224 alleles (0.078%); highest among the groups gnomAD compares: Middle Eastern, 1.2%; 4 homozygotes.

Submissions (11):

Labcorp Genetics (formerly Invitae), Labcorp
Classification: Benign for Dilated cardiomyopathy 1KK. Last evaluated: 2026-02-01. Review status: criteria provided, single submitter. Criteria: Invitae Variant Classification Sherloc (09022015). Collection method: clinical testing. Allele origin: germline.

Blueprint Genetics
Classification: Benign. Last evaluated: 2024-11-11. Review status: criteria provided, single submitter. Criteria: ACMG Guidelines, 2015. Collection method: clinical testing. Allele origin: germline.

Women's Health and Genetics/Laboratory Corporation of America, LabCorp
Classification: Benign. Last evaluated: 2023-08-19. Review status: criteria provided, single submitter. Criteria: LabCorp Variant Classification Summary - May 2015. Collection method: clinical testing. Allele origin: germline.

Fulgent Genetics
Classification: Likely benign for Dilated cardiomyopathy 1KK; MYPN-related myopathy. Last evaluated: 2022-04-26. Review status: criteria provided, single submitter. Criteria: ACMG Guidelines, 2015. Collection method: clinical testing. Allele origin: unknown.

Genome Diagnostics Laboratory, University Medical Center Utrecht
Classification: Benign for Dilated cardiomyopathy 1KK. Last evaluated: 2016-12-08. Review status: criteria provided, single submitter. Criteria: ACGS Guidelines, 2013. Collection method: clinical testing. Allele origin: germline. Affected: yes. Study: VKGL Data-share Consensus.

Laboratory for Molecular Medicine, Mass General Brigham Personalized Medicine
Classification: Likely benign. Last evaluated: 2016-01-12. Review status: criteria provided, single submitter. Criteria: LMM Criteria. Collection method: clinical testing. Allele origin: germline. Observed: 1 variant allele.
Comment: c.1460-14T>A variant in intron 8 of MYPN: This variant is not expected to have c linical significance because it has been identified in 0.3% (31/11518) of Latino chromosomes and 0.1% (65/65978) of European chromosomes by the Exome Aggregatio n Consortium (ExAC; dbSNP rs201156035).

GeneDx
Classification: Benign. Last evaluated: 2015-03-03. Review status: criteria provided, single submitter. Criteria: GeneDx Variant Classification Process June 2021. Collection method: clinical testing. Allele origin: germline. Affected: yes.

Breakthrough Genomics
Classification: Likely benign. Review status: criteria provided, single submitter. Criteria: ACMG Guidelines, 2015. Collection method: not provided. Allele origin: germline. Inheritance: Autosomal recessive inheritance. Affected: yes.

Clinical Genetics, Academic Medical Center
Classification: Benign. Review status: no assertion criteria provided. Collection method: clinical testing. Allele origin: germline. Affected: yes. Study: VKGL Data-share Consensus. Not counted in ClinVar's aggregate classification.

Diagnostic Laboratory, Department of Genetics, University Medical Center Groningen
Classification: Likely benign for Dilated cardiomyopathy 1KK. Review status: no assertion criteria provided. Collection method: clinical testing. Allele origin: germline. Affected: yes. Study: VKGL Data-share Consensus. Not counted in ClinVar's aggregate classification.

Joint Genome Diagnostic Labs from Nijmegen and Maastricht, Radboudumc and MUMC+
Classification: Benign. Review status: no assertion criteria provided. Collection method: clinical testing. Allele origin: germline. Affected: yes. Study: VKGL Data-share Consensus. Not counted in ClinVar's aggregate classification.